The following is an entry in ClinVar:

NM_000038.6(APC):c.-18-4959T>G

Gene: APC (APC regulator of WNT signaling pathway; plus strand). Cytogenetic location: 5q22.2.
Variant type: single nucleotide variant.
Coding change: c.-18-4959T>G on transcript NM_000038.6 (MANE Select); 4959 bases into the intron before 18 bases upstream of the start codon, T replaced by G.
Molecular consequence: intron variant.
Genome position (GRCh38, 1-based): chr5:112,749,914, T>G. VCF-style: chr5-112749914-T-G. GRCh37 (hg19) VCF-style: chr5-112085611-T-G.
Other names: c.-18-4959T>G (NM_001354895.2, NM_001127510.3, NM_001354896.2 and 2 more transcripts); c.166-16412T>G (NM_001354897.2, NM_001354902.2, NM_001127511.3); c.60+11454T>G (NM_001354898.2, NM_001354904.2); c.-1053-4959T>G (NM_001354906.2); c.-43+11989T>G (NM_001354900.2, NM_001354901.2, NM_001354905.2).
Identifiers: ClinVar variation 82795 (VCV000082795.2), dbSNP rs28373740, ClinGen allele CA006107.

ClinVar aggregate classification (germline): other (0 of 4 stars; one submission).

Conditions:
Familial colorectal cancer. Identifiers: MedGen CN280943, MONDO:0023113. Disease mechanism: loss of function.

Allele frequency attached by ClinVar (database versions not stated): gnomAD 0.38681 and 0.39944; TOPMed 0.40693; 1000 Genomes Project 30x 0.43551; 1000 Genomes Project 0.43690.
gnomAD v4.1: 59,779 of 149,228 alleles (40%); highest among the groups gnomAD compares: East Asian, 66%; 14,222 homozygotes.

Submission:

Systems Biology Platform Zhejiang California International NanoSystems Institute
Classification: other for Familial colorectal cancer. Review status: no assertion criteria provided. Collection method: not provided. Allele origin: unknown.
ClinVar note: Converted during submission from cancer to other.